The following is an entry in ClinVar:

NM_001382508.1(DROSHA):c.3261+1G>C

Gene: DROSHA (drosha ribonuclease III; minus strand). Cytogenetic location: 5p13.3.
Variant type: single nucleotide variant.
Coding change: c.3261+1G>C on transcript NM_001382508.1 (MANE Select); the canonical splice donor site of the intron after coding-DNA position 3261, G replaced by C.
Molecular consequence: splice donor variant.
Genome position (GRCh38, 1-based): chr5:31,424,426, C>G on the plus strand (G>C on the coding strand, the complement: DROSHA is on the minus strand). VCF-style: chr5-31424426-C-G. GRCh37 (hg19) VCF-style: chr5-31424533-C-G.
Other names: NC_000005.9:g.31424533C>G; c.3261+1G>C (NM_013235.5); c.3150+1G>C (NM_001100412.2).
Identifiers: ClinVar variation 3393488 (VCV003393488.2).

ClinVar aggregate classification (germline): Pathogenic (0 of 4 stars; one submission).
ClinVar aggregate classification (oncogenicity): Likely oncogenic (0 of 4 stars; one submission).

Conditions:
Pineoblastoma. Identifiers: Orphanet 251909, MedGen C0205898, MONDO:0016722, HP:0030408.

Submissions (3):

Center for Precision Oncology and Cancer Prevention, Roswell Park Comprehensive Cancer Center
Classification: Pathogenic for Pineoblastoma. Last evaluated: 2024-11-22. Review status: no assertion criteria provided. Collection method: clinical testing. Allele origin: germline. Inheritance: Autosomal dominant inheritance. Affected: yes.
Comment: Germline analysis revealed a DROSHA c.3261+1G>C splicing variant resulting in out-of-frame exon skipping with loss of the donor site at exon 27 (SpliceAI Delta Score=0.95). Tumor analysis revealed LOH of this variant, with a variant allele fraction in the tumor of 1.00, confirming biallelic inactivation of DROSHA.

Center for Precision Oncology and Cancer Prevention, Roswell Park Comprehensive Cancer Center
Classification: Likely oncogenic for Pineoblastoma. Last evaluated: 2024-11-22. Review status: no assertion criteria provided. Collection method: clinical testing. Allele origin: somatic. Affected: yes. Observed: 1 variant allele.

Dr. Peter K. Rogan Lab, Western University
No classification provided (evidence only). Condition: Thyroid cancer, nonmedullary, 1. Review status: no classification provided. Collection method: in vitro. Allele origin: not applicable. Functional consequence: retained intron. Not counted in ClinVar's aggregate classification.